The following is an entry in ClinVar:

NM_153704.6(TMEM67):c.2401A>G (p.Asn801Asp)

Gene: TMEM67 (transmembrane protein 67; plus strand). Cytogenetic location: 8q22.1.
Variant type: single nucleotide variant.
Coding change: c.2401A>G on transcript NM_153704.6 (MANE Select); coding-DNA position 2401, A replaced by G.
Protein change: p.Asn801Asp; replaces asparagine 801 with aspartic acid.
Molecular consequence: missense variant. On other transcripts: non-coding transcript variant (1).
Genome position (GRCh38, 1-based): chr8:93,804,840, A>G. VCF-style: chr8-93804840-A-G. GRCh37 (hg19) VCF-style: chr8-94817068-A-G.
Other names: c.2158A>G, p.Asn720Asp (NM_001142301.1); short protein forms N801D, N720D.
Identifiers: ClinVar variation 4995855 (VCV004995855.1).

ClinVar aggregate classification (germline): Uncertain significance (1 of 4 stars; one submission).

Conditions:
TMEM67-related disorder. Also called: TMEM67-related condition; TMEM67-related disorders. Identifiers: MedGen CN239423.

Submission:

PreventionGenetics, part of Exact Sciences
Classification: Uncertain significance for TMEM67-related condition. Last evaluated: 2026-07-16. Review status: criteria provided, single submitter. Criteria: ACMG Guidelines, 2015. Collection method: clinical testing. Allele origin: germline.
Comment: The TMEM67 c.2401A>G variant is predicted to result in the amino acid substitution p.Asn801Asp. To our knowledge, this variant has not been reported in the literature or in a large population database (gnomAD), indicating this variant is rare. At this time, the clinical significance of this variant is uncertain due to the absence of conclusive functional and genetic evidence.